The following is an entry in ClinVar:

NM_020778.5(ALPK3):c.3674A>C (p.Glu1225Ala)

Gene: ALPK3 (alpha kinase 3; plus strand). Cytogenetic location: 15q25.3.
Variant type: single nucleotide variant.
Coding change: c.3674A>C on transcript NM_020778.5 (MANE Select); coding-DNA position 3674, A replaced by C.
Protein change: p.Glu1225Ala; replaces glutamic acid 1225 with alanine.
Molecular consequence: missense variant.
Genome position (GRCh38, 1-based): chr15:84,858,412, A>C. VCF-style: chr15-84858412-A-C. GRCh37 (hg19) VCF-style: chr15-85401643-A-C.
Other names: c.4280A>C (NM_020778.4); short protein forms E1225A.
Identifiers: ClinVar variation 2979063 (VCV002979063.4), dbSNP rs116008918, ClinGen allele CA273625843.
Genomic context (GRCh38, chr15:84,858,412, plus strand): 5'-CAGGGACTCCAGGGCGGGAGAGACGCTCCCCTACGCAGGGCAGAAAGGCGAGCATGCTGG[A>C]GGTGCCTCGGGCAGAGGAGGAGCTGGCGGCAGGAGACCTGGGCCCCAGCCCCAAGGCCGG-3'
Protein context (NP_065829.4, residues 1215-1235): PTQGRKASML[Glu1225Ala]VPRAEEELAA

ClinVar aggregate classification (germline): Uncertain significance. Review status: criteria provided, multiple submitters, no conflicts (2 of 4 stars). 2 submissions from 2 submitters: Uncertain significance (2). Last evaluated 2025-09-14.

Conditions:
Cardiovascular phenotype. Identifiers: MedGen CN230736.

Allele frequency attached by ClinVar (database versions not stated): gnomAD 0.00001; ESP Exome Variant Server 0.00008; TOPMed 0.00001.
gnomAD v4.1: 1 of 1,558,172 alleles (0.000064%); highest among the groups gnomAD compares: African/African-American, 0.0014%; no homozygotes.

Submissions (2):

Labcorp Genetics (formerly Invitae), Labcorp
Classification: Uncertain significance. Last evaluated: 2025-09-14. Review status: criteria provided, single submitter. Criteria: Invitae Variant Classification Sherloc (09022015). Collection method: clinical testing. Allele origin: germline.
Comment: This sequence change replaces glutamic acid, which is acidic and polar, with alanine, which is neutral and non-polar, at codon 1427 of the ALPK3 protein (p.Glu1427Ala). This variant is not present in population databases (gnomAD no frequency). This variant has not been reported in the literature in individuals affected with ALPK3-related conditions. ClinVar contains an entry for this variant (Variation ID: 2979063). Invitae Evidence Modeling of protein sequence and biophysical properties (such as structural, functional, and spatial information, amino acid conservation, physicochemical variation, residue mobility, and thermodynamic stability) indicates that this missense variant is expected to disrupt ALPK3 protein function with a positive predictive value of 80%. In summary, the available evidence is currently insufficient to determine the role of this variant in disease. Therefore, it has been classified as a Variant of Uncertain Significance.

Ambry Genetics
Classification: Uncertain significance for Cardiovascular phenotype. Last evaluated: 2024-11-06. Review status: criteria provided, single submitter. Criteria: Ambry Variant Classification Scheme 2023. Collection method: clinical testing. Allele origin: germline.
Comment: The p.E1427A variant (also known as c.4280A>C), located in coding exon 6 of the ALPK3 gene, results from an A to C substitution at nucleotide position 4280. The glutamic acid at codon 1427 is replaced by alanine, an amino acid with dissimilar properties. This amino acid position is conserved. In addition, this alteration is predicted to be tolerated by in silico analysis. Based on the available evidence, the clinical significance of this variant remains unclear.